The following is an entry in ClinVar:

ClinVar aggregate classification (germline): Conflicting classifications of pathogenicity. Review status: criteria provided, conflicting classifications (1 of 4 stars). 4 submissions from 3 submitters: Uncertain significance (2); Benign (1); Likely benign (1). Last evaluated 2025-09-16.

Conditions:
LAMB2-related infantile-onset nephrotic syndrome. Also called: NEPHROTIC SYNDROME, TYPE 5, WITHOUT OCULAR ABNORMALITIES; NEPHROTIC SYNDROME, TYPE 5, WITH OCULAR ABNORMALITIES; Nephrotic Syndrome, type 5. Identifiers: Orphanet 306507, MedGen C3280113, MONDO:0013621, OMIM 614199.
Pierson syndrome. Also called: MICROCORIA-CONGENITAL NEPHROTIC SYNDROME. Identifiers: Orphanet 2670, MedGen C1836876, MONDO:0012184, OMIM 609049.

Allele frequency attached by ClinVar (database versions not stated): gnomAD 0.00006 and 0.00011; TOPMed 0.00006; gnomAD exomes 0.00016 and 0.00037; ExAC 0.00021; 1000 Genomes Project 30x 0.00031; 1000 Genomes Project 0.00040.
gnomAD v4.1: 533 of 1,614,132 alleles (0.033%); highest among the groups gnomAD compares: East Asian, 1.2%; 9 homozygotes.

Submissions (4):

Labcorp Genetics (formerly Invitae), Labcorp
Classification: Likely benign for LAMB2-related infantile-onset nephrotic syndrome; Pierson syndrome. Last evaluated: 2025-09-16. Review status: criteria provided, single submitter. Criteria: Invitae Variant Classification Sherloc (09022015). Collection method: clinical testing. Allele origin: germline.

Mayo Clinic Laboratories, Mayo Clinic
Classification: Benign. Last evaluated: 2025-08-08. Review status: criteria provided, single submitter. Criteria: ACMG Guidelines, 2015. Collection method: clinical testing. Allele origin: germline. Observed: 1 variant allele.
Comment: BA1

Illumina Laboratory Services, Illumina
Classification: Uncertain significance for LAMB2-related infantile-onset nephrotic syndrome. Last evaluated: 2018-01-12. Review status: criteria provided, single submitter. Criteria: ICSL Variant Classification Criteria 13 December 2019. Collection method: clinical testing. Allele origin: germline.

Illumina Laboratory Services, Illumina
Classification: Uncertain significance for Pierson syndrome. Last evaluated: 2018-01-12. Review status: criteria provided, single submitter. Criteria: ICSL Variant Classification Criteria 13 December 2019. Collection method: clinical testing. Allele origin: germline.

NM_002292.4(LAMB2):c.915+6G>A

Gene: LAMB2 (laminin subunit beta 2; minus strand). Cytogenetic location: 3p21.31.
Variant type: single nucleotide variant.
Coding change: c.915+6G>A on transcript NM_002292.4 (MANE Select); 6 bases into the intron after coding-DNA position 915, G replaced by A.
Molecular consequence: intron variant.
Genome position (GRCh38, 1-based): chr3:49,130,944, C>T on the plus strand (G>A on the coding strand, the complement: LAMB2 is on the minus strand). VCF-style: chr3-49130944-C-T. GRCh37 (hg19) VCF-style: chr3-49168377-C-T.
Other names: p.?.
Identifiers: ClinVar variation 703866 (VCV000703866.13), dbSNP rs2071677, ClinGen allele CA2394767.